The following is an entry in ClinVar:

ClinVar aggregate classification (germline): Uncertain significance (1 of 4 stars; one submission).

Submission:

GeneDx
Classification: Uncertain significance. Last evaluated: 2024-09-29. Review status: criteria provided, single submitter. Criteria: GeneDx Variant Classification Process June 2021. Collection method: clinical testing. Allele origin: germline. Affected: yes.
Comment: Not observed at significant frequency in large population cohorts (gnomAD); In silico analysis supports that this missense variant has a deleterious effect on protein structure/function; Has not been previously published as pathogenic or benign to our knowledge

NM_001659.3(ARF3):c.152T>G (p.Phe51Cys)

Gene: ARF3 (ARF GTPase 3; minus strand). Cytogenetic location: 12q13.12.
Variant type: single nucleotide variant.
Coding change: c.152T>G on transcript NM_001659.3 (MANE Select); coding-DNA position 152, T replaced by G.
Protein change: p.Phe51Cys; replaces phenylalanine 51 with cysteine.
Molecular consequence: missense variant. On other transcripts: intron variant (1).
Genome position (GRCh38, 1-based): chr12:48,940,104, A>C on the plus strand (T>G on the coding strand, the complement: ARF3 is on the minus strand). VCF-style: chr12-48940104-A-C. GRCh37 (hg19) VCF-style: chr12-49333887-A-C.
Other names: c.152T>G, p.Phe51Cys (NM_001412914.1, NM_001412915.1, NM_001412916.1 and 6 more transcripts); c.149-325T>G (NM_001412932.1); short protein forms F51C.
Identifiers: ClinVar variation 3774874 (VCV003774874.1).